The following is an entry in ClinVar:

NM_004656.4(BAP1):c.1251-8C>A

Gene: BAP1 (BRCA1 associated deubiquitinase 1; minus strand). Cytogenetic location: 3p21.1.
Variant type: single nucleotide variant.
Coding change: c.1251-8C>A on transcript NM_004656.4 (MANE Select); 8 bases into the intron before coding-DNA position 1251, C replaced by A.
Molecular consequence: intron variant.
Genome position (GRCh38, 1-based): chr3:52,403,902, G>T on the plus strand (C>A on the coding strand, the complement: BAP1 is on the minus strand). VCF-style: chr3-52403902-G-T. GRCh37 (hg19) VCF-style: chr3-52437918-G-T.
Identifiers: ClinVar variation 639786 (VCV000639786.11), dbSNP rs766385310, ClinGen allele CA2436845.

ClinVar aggregate classification (germline): Conflicting classifications of pathogenicity. Review status: criteria provided, conflicting classifications (1 of 4 stars). 3 submissions from 3 submitters: Uncertain significance (1); Likely benign (2). Last evaluated 2025-12-22.

Conditions:
Hereditary cancer-predisposing syndrome. Also called: Neoplastic Syndromes, Hereditary; Tumor predisposition; Hereditary Cancer Syndrome; Hereditary neoplastic syndrome. Identifiers: Orphanet 140162, MedGen C0027672, MeSH D009386, MONDO:0015356.
BAP1-related tumor predisposition syndrome (TPDS1). Also called: Tumor susceptibility linked to germline BAP1 mutations; BAP1 tumor predisposition syndrome; TUMOR PREDISPOSITION SYNDROME 1; COMMON Syndrome. Identifiers: Orphanet 289539, MedGen C3280492, MONDO:0013692, OMIM 614327.

Allele frequency attached by ClinVar (database versions not stated): gnomAD 0.00001; TOPMed 0.00002; ExAC 0.00001.
gnomAD v4.1: 9 of 1,613,544 alleles (0.00056%); highest among the groups gnomAD compares: African/African-American, 0.008%; no homozygotes.

Submissions (3):

Labcorp Genetics (formerly Invitae), Labcorp
Classification: Likely benign for BAP1-related tumor predisposition syndrome. Last evaluated: 2025-12-22. Review status: criteria provided, single submitter. Criteria: Invitae Variant Classification Sherloc (09022015). Collection method: clinical testing. Allele origin: germline.

Quest Diagnostics Nichols Institute San Juan Capistrano
Classification: Uncertain significance. Last evaluated: 2024-02-14. Review status: criteria provided, single submitter. Criteria: Quest Diagnostics criteria. Collection method: clinical testing. Allele origin: unknown.
Comment: The BAP1 c.1251-8C>A variant has not been reported in individuals with BAP1-related conditions in the published literature. The frequency of this variant in the general population, 0.000008 (2/250852 chromosomes (Genome Aggregation Database)), is uninformative in the assessment of its pathogenicity. Analysis of this variant using software algorithms for the prediction of the effect of nucleotide changes on splicing yielded predictions that this variant may affect proper BAP1 mRNA splicing. Based on the available information, we are unable to determine the clinical significance of this variant.

Color Diagnostics, LLC DBA Color Health
Classification: Likely benign for Hereditary cancer-predisposing syndrome. Last evaluated: 2016-11-22. Review status: criteria provided, single submitter. Criteria: ACMG Guidelines, 2015. Collection method: clinical testing. Allele origin: germline.